The following is an entry in ClinVar:

ClinVar aggregate classification (germline): Uncertain significance. Review status: criteria provided, multiple submitters, no conflicts (2 of 4 stars). 2 submissions from 2 submitters: Uncertain significance (2). Last evaluated 2025-03-31.

Conditions:
Congenital primary aphakia. Also called: Anterior segment dysgenesis 2, multiple subtypes; ANTERIOR SEGMENT DYSGENESIS 2. Identifiers: Orphanet 83461, MedGen C1853230, MONDO:0012456, OMIM 610256.
Anterior segment dysgenesis. Also called: Ocular anterior segment dysgenesis. Identifiers: Orphanet 88632, MedGen C1862839, MONDO:0019503, HP:0007700.
Cardiovascular phenotype. Identifiers: MedGen CN230736.

Allele frequency attached by ClinVar (database versions not stated): gnomAD 0.00001; TOPMed 0.00001.

Submissions (2):

Ambry Genetics
Classification: Uncertain significance for Cardiovascular phenotype. Last evaluated: 2025-03-31. Review status: criteria provided, single submitter. Criteria: Ambry Variant Classification Scheme 2023. Collection method: clinical testing. Allele origin: germline.
Comment: The p.A234V variant (also known as c.701C>T), located in coding exon 1 of the FOXE3 gene, results from a C to T substitution at nucleotide position 701. The alanine at codon 234 is replaced by valine, an amino acid with similar properties. This amino acid position is conserved. In addition, this alteration is predicted to be tolerated by in silico analysis. Based on the available evidence, the clinical significance of this variant remains unclear.

Labcorp Genetics (formerly Invitae), Labcorp
Classification: Uncertain significance for Anterior segment dysgenesis; Congenital primary aphakia. Last evaluated: 2024-11-25. Review status: criteria provided, single submitter. Criteria: Invitae Variant Classification Sherloc (09022015). Collection method: clinical testing. Allele origin: germline.
Comment: This sequence change replaces alanine, which is neutral and non-polar, with valine, which is neutral and non-polar, at codon 234 of the FOXE3 protein (p.Ala234Val). This variant is not present in population databases (gnomAD no frequency). This variant has not been reported in the literature in individuals affected with FOXE3-related conditions. ClinVar contains an entry for this variant (Variation ID: 1017109). Invitae Evidence Modeling of protein sequence and biophysical properties (such as structural, functional, and spatial information, amino acid conservation, physicochemical variation, residue mobility, and thermodynamic stability) indicates that this missense variant is not expected to disrupt FOXE3 protein function with a negative predictive value of 80%. In summary, the available evidence is currently insufficient to determine the role of this variant in disease. Therefore, it has been classified as a Variant of Uncertain Significance.

NM_012186.3(FOXE3):c.701C>T (p.Ala234Val)

Genes: FOXE3 (forkhead box E3; plus strand), LINC01389 (long independently transcribed non-coding RNA 1389; minus strand). Cytogenetic location: 1p33.
Variant type: single nucleotide variant.
Coding change: c.701C>T on transcript NM_012186.3 (MANE Select); coding-DNA position 701, C replaced by T.
Protein change: p.Ala234Val; replaces alanine 234 with valine.
Molecular consequence: missense variant.
Genome position (GRCh38, 1-based): chr1:47,417,016, C>T. VCF-style: chr1-47417016-C-T. GRCh37 (hg19) VCF-style: chr1-47882688-C-T.
Other names: c.701C>T (NM_012186.2); short protein forms A234V.
Identifiers: ClinVar variation 1017109 (VCV001017109.11), dbSNP rs1646888269, ClinGen allele CA340250537.